The following is an entry in ClinVar:

ClinVar aggregate classification (germline): Conflicting classifications of pathogenicity. Review status: criteria provided, conflicting classifications (1 of 4 stars). 9 submissions from 9 submitters: Uncertain significance (6); Likely benign (3). Last evaluated 2026-03-11.

Conditions:
LRSAM1-related disorder. Also called: LRSAM1-related condition.
Charcot-Marie-Tooth disease. Also called: Charcot-Marie-Tooth Neuropathy; Charcot-Marie-Tooth Hereditary Neuropathy. Identifiers: Orphanet 166, MedGen C0007959, MONDO:0015626.
Charcot-Marie-Tooth disease axonal type 2P. Also called: CHARCOT-MARIE-TOOTH NEUROPATHY, TYPE 2P; Charcot-Marie-Tooth Neuropathy Type 2G; CHARCOT-MARIE-TOOTH DISEASE, AXONAL, TYPE 2G; CMT 2G. Identifiers: Orphanet 300319, Orphanet 99941, MedGen C3280797, MONDO:0013753, OMIM 614436.
Inborn genetic diseases. Identifiers: MedGen C0950123, MeSH D030342.

Allele frequency attached by ClinVar (database versions not stated): 1000 Genomes Project 30x 0.00016; 1000 Genomes Project 0.00020; gnomAD exomes 0.00043 and 0.00070; gnomAD 0.00044 and 0.00045; TOPMed 0.00046; ExAC 0.00056; ESP Exome Variant Server 0.00077.
gnomAD v4.1: 1,071 of 1,607,632 alleles (0.067%); highest among the groups gnomAD compares: Admixed American, 0.11%; no homozygotes.

Submissions (9):

Women's Health and Genetics/Laboratory Corporation of America, LabCorp
Classification: Likely benign. Last evaluated: 2026-03-11. Review status: criteria provided, single submitter. Criteria: LabCorp Variant Classification Summary - May 2015. Collection method: clinical testing. Allele origin: germline.
Comment: Variant summary: LRSAM1 c.586G>A (p.Gly196Ser) results in a non-conservative amino acid change in the encoded protein sequence. Algorithms developed to predict the effect of missense changes on protein structure and function are either unavailable or do not agree on the potential impact of this missense change. The variant allele was found at a frequency of 0.00043 in 237504 control chromosomes, predominantly at a frequency of 0.0012 within the Latino subpopulation in the gnomAD database. The observed variant frequency within Latino control individuals in the gnomAD database exceeds the estimated maximal expected allele frequency for disease-causing variants in LRSAM1. ClinVar contains an entry for this variant (Variation ID: 245644). Based on the evidence outlined above, the variant was classified as likely benign.

PreventionGenetics, part of Exact Sciences
Classification: Uncertain significance for LRSAM1-related condition. Last evaluated: 2026-02-18. Review status: criteria provided, single submitter. Criteria: ACMG Guidelines, 2015. Collection method: clinical testing. Allele origin: germline.
Comment: The LRSAM1 c.586G>A variant is predicted to result in the amino acid substitution p.Gly196Ser. This variant has been reported as a variant of uncertain significance in at least one individual with Charcot-Marie-Tooth disease (Supplemental Table 2 in Volodarsky et al. 2021. PubMed ID: 32376792). This variant is reported in 0.13% of alleles in individuals of Latino descent in gnomAD. Although we suspect that this variant may be benign, at this time, the clinical significance of this variant is uncertain due to the absence of conclusive functional and genetic evidence.

Labcorp Genetics (formerly Invitae), Labcorp
Classification: Likely benign for Charcot-Marie-Tooth disease axonal type 2P. Last evaluated: 2025-11-17. Review status: criteria provided, single submitter. Criteria: Invitae Variant Classification Sherloc (09022015). Collection method: clinical testing. Allele origin: germline.

Mayo Clinic Laboratories, Mayo Clinic
Classification: Uncertain significance. Last evaluated: 2025-07-17. Review status: criteria provided, single submitter. Criteria: ACMG Guidelines, 2015. Collection method: clinical testing. Allele origin: germline. Observed: 3 variant alleles.
Comment: BP4

GeneDx
Classification: Uncertain significance. Last evaluated: 2024-12-20. Review status: criteria provided, single submitter. Criteria: GeneDx Variant Classification Process June 2021. Collection method: clinical testing. Allele origin: germline. Affected: yes.
Comment: Reported previously as a variant of uncertain significance in two patients with a suspected diagnosis of Charcot-Marie-Tooth disease; however, clinical and segregation information was not provided (PMID: 32376792); In silico analysis supports that this missense variant has a deleterious effect on protein structure/function; This variant is associated with the following publications: (PMID: 32376792)

Ambry Genetics
Classification: Uncertain significance for Inborn genetic diseases. Last evaluated: 2023-03-09. Review status: criteria provided, single submitter. Criteria: Ambry Variant Classification Scheme 2023. Collection method: clinical testing. Allele origin: germline.
Comment: Unlikely to be causative of LRSAM1-related Charcot-Marie-Tooth disease, type 2 (AD) Based on insufficient or conflicting evidence, the clinical significance of this alteration remains unclear.

Illumina Laboratory Services, Illumina
Classification: Likely benign for Charcot-Marie-Tooth disease axonal type 2P. Last evaluated: 2018-01-12. Review status: criteria provided, single submitter. Criteria: ICSL Variant Classification Criteria 13 December 2019. Collection method: clinical testing. Allele origin: germline.
Comment: This variant was observed in the ICSL laboratory as part of a predisposition screen in an ostensibly healthy population. It had not been previously curated by ICSL or reported in the Human Gene Mutation Database (HGMD: prior to June 1st, 2018), and was therefore a candidate for classification through an automated scoring system. Utilizing variant allele frequency, disease prevalence and penetrance estimates, and inheritance mode, an automated score was calculated to assess if this variant is too frequent to cause the disease. Based on the score and internal cut-off values, a variant classified as likely benign is not then subjected to further curation. The score for this variant resulted in a classification of likely benign for this disease.

CeGaT Center for Human Genetics Tuebingen
Classification: Uncertain significance. Last evaluated: 2016-06-01. Review status: criteria provided, single submitter. Criteria: CeGaT Center For Human Genetics Tuebingen Variant Classification Criteria Version 2. Collection method: clinical testing. Allele origin: germline. Affected: yes. Observed: 1 variant allele.

Molecular Genetics Laboratory, London Health Sciences Centre
Classification: Uncertain significance for Charcot-Marie-Tooth disease. Review status: criteria provided, single submitter. Criteria: ACMG Guidelines, 2015. Collection method: clinical testing. Allele origin: germline. Affected: yes.

Literature cited by the submitters: PubMed 32376792 (cited by Mayo Clinic Laboratories, Mayo Clinic and Ambry Genetics).

NM_001005373.4(LRSAM1):c.586G>A (p.Gly196Ser)

Gene: LRSAM1 (leucine rich repeat and sterile alpha motif containing 1; plus strand). Cytogenetic location: 9q33.3.
Variant type: single nucleotide variant.
Coding change: c.586G>A on transcript NM_001005373.4 (MANE Select); coding-DNA position 586, G replaced by A.
Protein change: p.Gly196Ser; replaces glycine 196 with serine.
Molecular consequence: missense variant. On other transcripts: 5 prime UTR variant (1), non-coding transcript variant (2).
Genome position (GRCh38, 1-based): chr9:127,467,797, G>A. VCF-style: chr9-127467797-G-A. GRCh37 (hg19) VCF-style: chr9-130230076-G-A.
Other names: c.586G>A (NM_138361.4); c.586G>A, p.Gly196Ser (NM_001005374.4, NM_001190723.3, NM_001384142.1 and 2 more transcripts); c.-199G>A (NM_001384144.1); short protein forms G196S.
Identifiers: ClinVar variation 245644 (VCV000245644.74), dbSNP rs148059394, ClinGen allele CA5246608.
Genomic context (GRCh38, chr9:127,467,797, plus strand): 5'-CAGATGCTGAGCCTTGACGCCTCGGCCATGGTCTACCCGCCGCGGGAGGTGTGTGGTGCC[G>A]GCACTGCGGCCATCTTGCAGTTCCTCTGCAAAGGTAAAGCCAGGCCGCTGCCTCCTCCCC-3'
Protein context (NP_001005373.1, residues 186-206): VYPPREVCGA[Gly196Ser]TAAILQFLCK